The following is an entry in ClinVar:

ClinVar aggregate classification (germline): Uncertain significance (1 of 4 stars; one submission).

Conditions:
Congenital hyperammonemia, type I. Also called: CPS 1 deficiency; Carbamyl phosphate synthetase (CPS) deficiency; Carbamoyl phosphate synthetase I deficiency disease; CPS I DEFICIENCY; Carbamoyl phosphate synthetase 1 deficiency; Hyperammonemia due to carbamoyl phosphate synthetase 1 deficiency. Identifiers: Orphanet 147, MedGen C4082171, MONDO:0009376, OMIM 237300.

Allele frequency attached by ClinVar (database versions not stated): ExAC 0.00002; gnomAD exomes 0.00002; gnomAD 0.00003; TOPMed 0.00003; ESP Exome Variant Server 0.00008.
gnomAD v4.1: 30 of 1,613,910 alleles (0.0019%); highest among the groups gnomAD compares: Non-Finnish European, 0.0025%; no homozygotes.

Submission:

Labcorp Genetics (formerly Invitae), Labcorp
Classification: Uncertain significance for Congenital hyperammonemia, type I. Last evaluated: 2024-04-17. Review status: criteria provided, single submitter. Criteria: Invitae Variant Classification Sherloc (09022015). Collection method: clinical testing. Allele origin: germline.
Comment: This sequence change replaces arginine, which is basic and polar, with cysteine, which is neutral and slightly polar, at codon 1481 of the CPS1 protein (p.Arg1481Cys). This variant is present in population databases (rs138125466, gnomAD 0.003%). This variant has not been reported in the literature in individuals affected with CPS1-related conditions. ClinVar contains an entry for this variant (Variation ID: 2155848). Advanced modeling of protein sequence and biophysical properties (such as structural, functional, and spatial information, amino acid conservation, physicochemical variation, residue mobility, and thermodynamic stability) performed at Invitae indicates that this missense variant is not expected to disrupt CPS1 protein function with a negative predictive value of 95%. In summary, the available evidence is currently insufficient to determine the role of this variant in disease. Therefore, it has been classified as a Variant of Uncertain Significance.

NM_001875.5(CPS1):c.4441C>T (p.Arg1481Cys)

Gene: CPS1 (carbamoyl-phosphate synthase 1; plus strand). Cytogenetic location: 2q34.
Variant type: single nucleotide variant.
Coding change: c.4441C>T on transcript NM_001875.5 (MANE Select); coding-DNA position 4441, C replaced by T.
Protein change: p.Arg1481Cys; replaces arginine 1481 with cysteine.
Molecular consequence: missense variant. On other transcripts: non-coding transcript variant (2).
Genome position (GRCh38, 1-based): chr2:210,677,923, C>T. VCF-style: chr2-210677923-C-T. GRCh37 (hg19) VCF-style: chr2-211542647-C-T.
Other names: c.4441C>T, p.Arg1481Cys (NM_001122633.3, NM_001369257.1); c.4474C>T, p.Arg1492Cys (NM_001369256.1); short protein forms R1492C, R1481C.
Identifiers: ClinVar variation 2155848 (VCV002155848.2), dbSNP rs138125466, ClinGen allele CA2087302.